The following is an entry in ClinVar:

ClinVar aggregate classification (germline): Uncertain significance (1 of 4 stars; one submission).

Conditions:
KBG syndrome (KBGS). Also called: ANKRD11-Related KBG Syndrome. Identifiers: Orphanet 2332, MedGen C0220687, MONDO:0007846, OMIM 148050.

Allele frequency attached by ClinVar (database versions not stated): gnomAD exomes below 0.00001; gnomAD 0.00001.
gnomAD v4.1: 2 of 1,614,130 alleles (0.00012%); highest among the groups gnomAD compares: Middle Eastern, 0.016%; no homozygotes.

Submission:

Labcorp Genetics (formerly Invitae), Labcorp
Classification: Uncertain significance for KBG syndrome. Last evaluated: 2023-04-23. Review status: criteria provided, single submitter. Criteria: Invitae Variant Classification Sherloc (09022015). Collection method: clinical testing. Allele origin: germline.
Comment: In summary, the available evidence is currently insufficient to determine the role of this variant in disease. Therefore, it has been classified as a Variant of Uncertain Significance. Advanced modeling of protein sequence and biophysical properties (such as structural, functional, and spatial information, amino acid conservation, physicochemical variation, residue mobility, and thermodynamic stability) performed at Invitae indicates that this missense variant is not expected to disrupt ANKRD11 protein function. This variant has not been reported in the literature in individuals affected with ANKRD11-related conditions. This variant is not present in population databases (gnomAD no frequency). This sequence change replaces glutamic acid, which is acidic and polar, with glycine, which is neutral and non-polar, at codon 896 of the ANKRD11 protein (p.Glu896Gly).

NM_013275.6(ANKRD11):c.2687A>G (p.Glu896Gly)

Gene: ANKRD11 (ankyrin repeat domain 11; minus strand). Cytogenetic location: 16q24.3.
Variant type: single nucleotide variant.
Coding change: c.2687A>G on transcript NM_013275.6 (MANE Select); coding-DNA position 2687, A replaced by G.
Protein change: p.Glu896Gly; replaces glutamic acid 896 with glycine.
Molecular consequence: missense variant.
Genome position (GRCh38, 1-based): chr16:89,283,855, T>C on the plus strand (A>G on the coding strand, the complement: ANKRD11 is on the minus strand). VCF-style: chr16-89283855-T-C. GRCh37 (hg19) VCF-style: chr16-89350263-T-C.
Other names: c.2687A>G, p.Glu896Gly (NM_001256182.2, NM_001256183.2); short protein forms E896G.
Identifiers: ClinVar variation 2896418 (VCV002896418.3), dbSNP rs2151758718, ClinGen allele CA397161693.